The following is an entry in ClinVar:

NM_001171613.2(PREPL):c.448_451del (p.Lys150fs)

Gene: PREPL (prolyl endopeptidase like; minus strand). Cytogenetic location: 2p21.
Variant type: Deletion.
Coding change: c.448_451del on transcript NM_001171613.2 (MANE Select); coding-DNA positions 448 to 451, 4 bases deleted (AAAC; older notation c.448_451delAAAC).
Protein change: p.Lys150fs; shifts the reading frame from lysine 150.
Molecular consequence: frameshift variant.
Genome position (GRCh38, 1-based): chr2:44,342,451-44,342,454, GTTT deleted on the plus strand (AAAC on the coding strand, the reverse complement: PREPL is on the minus strand); deleting any 4 consecutive bases within chr2:44,342,451-44,342,457 gives the same sequence; the c. name uses the placement nearest the transcript's 3' end. VCF-style (leftmost placement, unchanged base first): chr2-44342450-CGTTT-C. GRCh37 (hg19) VCF-style: chr2-44569589-CGTTT-C.
Other names: c.715_718del, p.Lys239fs (NM_001042385.2, NM_001042386.2, NM_001171603.1 and 4 more transcripts); c.448_451del, p.Lys150fs (NM_001171617.1, NM_001374277.1); c.715_718delAAAC (NM_006036.4); short protein forms K150fs, K239fs.
Identifiers: ClinVar variation 653242 (VCV000653242.6), dbSNP rs779488471, ClinGen allele CA1641473.
Genomic context (GRCh38, chr2:44,342,450, plus strand): 5'-AAAGATTTAATTATATTATTCTAGTACCTTGGGTCTTTTTCTGTGTAAAAGCGTTCATTA[CGTTT>C]GTTATCACCAAAAGTGGCTCGATATACGTCATGACAGCGAAGGTTCCTCTGGAAGGTGTA-3'

ClinVar aggregate classification (germline): Pathogenic (1 of 4 stars; one submission).

Conditions:
Myasthenic syndrome, congenital, 22 (CMS22). Also called: PREPL DEFICIENCY. Identifiers: MedGen C4479088, MONDO:0044299, OMIM 616224.

Submission:

Labcorp Genetics (formerly Invitae), Labcorp
Classification: Pathogenic for Myasthenic syndrome, congenital, 22. Last evaluated: 2022-03-23. Review status: criteria provided, single submitter. Criteria: Invitae Variant Classification Sherloc (09022015). Collection method: clinical testing. Allele origin: germline.
Comment: For these reasons, this variant has been classified as Pathogenic. Algorithms developed to predict the effect of sequence changes on RNA splicing suggest that this variant may create or strengthen a splice site. ClinVar contains an entry for this variant (Variation ID: 653242). This variant has not been reported in the literature in individuals affected with PREPL-related conditions. This variant is not present in population databases (gnomAD no frequency). This sequence change creates a premature translational stop signal (p.Lys239Valfs*28) in the PREPL gene. It is expected to result in an absent or disrupted protein product. Loss-of-function variants in PREPL are known to be pathogenic (PMID: 24610330, 28726805, 29913539).

Literature cited by the submitters: PubMed 24610330; PubMed 28726805; PubMed 29913539.